The following is an entry in ClinVar:

NM_004706.4(ARHGEF1):c.2249+3G>A

Gene: ARHGEF1 (Rho guanine nucleotide exchange factor 1; plus strand). Cytogenetic location: 19q13.2.
Variant type: single nucleotide variant.
Coding change: c.2249+3G>A on transcript NM_004706.4 (MANE Select); 3 bases into the intron after coding-DNA position 2249, G replaced by A.
Molecular consequence: intron variant.
Genome position (GRCh38, 1-based): chr19:41,905,039, G>A. VCF-style: chr19-41905039-G-A. GRCh37 (hg19) VCF-style: chr19-42409191-G-A.
Other names: c.2249+3G>A (NM_001396003.1, NM_001396006.1); c.2150+3G>A (NM_001396002.1, NM_198977.2, NM_001396004.1); c.2417+3G>A (NM_001396000.1); c.2294+3G>A (NM_199002.2).
Identifiers: ClinVar variation 2824535 (VCV002824535.3), dbSNP rs2513914411, ClinGen allele CA2739276848.
Genomic context (GRCh38, chr19:41,905,039, plus strand): 5'-GGGACCAGGAGGCCCAGATATACGAGCTGGTGGCACAGACTGTGTCGGAGCGGAAAAAGT[G>A]AGGGGGGGTCTGAGTTCTGAGTGTGGGTGGAGGACGCCCAGGTTTCTGGGTTCCCAGGGA-3'

ClinVar aggregate classification (germline): Uncertain significance (1 of 4 stars; one submission).

Submission:

Labcorp Genetics (formerly Invitae), Labcorp
Classification: Uncertain significance. Last evaluated: 2022-12-27. Review status: criteria provided, single submitter. Criteria: Invitae Variant Classification Sherloc (09022015). Collection method: clinical testing. Allele origin: germline.
Comment: This variant has not been reported in the literature in individuals affected with ARHGEF1-related conditions. In summary, the available evidence is currently insufficient to determine the role of this variant in disease. Therefore, it has been classified as a Variant of Uncertain Significance. Variants that disrupt the consensus splice site are a relatively common cause of aberrant splicing (PMID: 17576681, 9536098). Algorithms developed to predict the effect of sequence changes on RNA splicing suggest that this variant is not likely to affect RNA splicing. This variant is not present in population databases (gnomAD no frequency). This sequence change falls in intron 23 of the ARHGEF1 gene. It does not directly change the encoded amino acid sequence of the ARHGEF1 protein. It affects a nucleotide within the consensus splice site.

Literature cited by the submitters: PubMed 17576681; PubMed 9536098.